The following is an entry in ClinVar:

ClinVar aggregate classification (germline): Uncertain significance (1 of 4 stars; one submission).

Conditions:
Familial adenomatous polyposis 1 (FAP1). Also called: FAMILIAL ADENOMATOUS POLYPOSIS 1, ATTENUATED; POLYPOSIS, ADENOMATOUS INTESTINAL. Identifiers: MedGen C2713442, MONDO:0021056, OMIM 175100. Disease mechanism: loss of function.

Submission:

Labcorp Genetics (formerly Invitae), Labcorp
Classification: Uncertain significance for Familial adenomatous polyposis 1. Last evaluated: 2023-03-20. Review status: criteria provided, single submitter. Criteria: Invitae Variant Classification Sherloc (09022015). Collection method: clinical testing. Allele origin: germline.
Comment: This variant is not present in population databases (gnomAD no frequency). This sequence change replaces serine, which is neutral and polar, with arginine, which is basic and polar, at codon 2789 of the APC protein (p.Ser2789Arg). This variant has not been reported in the literature in individuals affected with APC-related conditions. Advanced modeling of protein sequence and biophysical properties (such as structural, functional, and spatial information, amino acid conservation, physicochemical variation, residue mobility, and thermodynamic stability) performed at Invitae indicates that this missense variant is not expected to disrupt APC protein function. In summary, the available evidence is currently insufficient to determine the role of this variant in disease. Therefore, it has been classified as a Variant of Uncertain Significance.

NM_000038.6(APC):c.8367C>A (p.Ser2789Arg)

Gene: APC (APC regulator of Wnt signaling pathway; plus strand). Cytogenetic location: 5q22.2.
Variant type: single nucleotide variant.
Coding change: c.8367C>A on transcript NM_000038.6 (MANE Select); coding-DNA position 8367, C replaced by A.
Protein change: p.Ser2789Arg; replaces serine 2789 with arginine.
Molecular consequence: missense variant. On other transcripts: non-coding transcript variant (2).
Genome position (GRCh38, 1-based): chr5:112,843,961, C>A. VCF-style: chr5-112843961-C-A. GRCh37 (hg19) VCF-style: chr5-112179658-C-A.
Other names: c.8367C>A, p.Ser2789Arg (NM_001127510.3, NM_001354895.2, NM_001407450.1); c.8313C>A, p.Ser2771Arg (NM_001127511.3); c.8421C>A, p.Ser2807Arg (NM_001354896.2, NM_001407447.1, NM_001407448.1 and 1 more transcripts); c.8397C>A, p.Ser2799Arg (NM_001354897.2); c.8292C>A, p.Ser2764Arg (NM_001354898.2); c.8283C>A, p.Ser2761Arg (NM_001354899.2); c.8244C>A, p.Ser2748Arg (NM_001354900.2); c.8190C>A, p.Ser2730Arg (NM_001354901.2, NM_001407453.1); and 11 more; short protein forms S2506R, S2663R, S2660R, S2782R, S2799R, S2807R, S2817R, S2629R.
Identifiers: ClinVar variation 2846457 (VCV002846457.3), dbSNP rs786201474, ClinGen allele CA16039489.